The following is an entry in ClinVar:

NM_001143775.2(CTDNEP1):c.413G>A (p.Gly138Asp)

Gene: CTDNEP1 (CTD nuclear envelope phosphatase 1; minus strand). Cytogenetic location: 17p13.1.
Variant type: single nucleotide variant.
Coding change: c.413G>A on transcript NM_001143775.2 (MANE Select); coding-DNA position 413, G replaced by A.
Protein change: p.Gly138Asp; replaces glycine 138 with aspartic acid.
Molecular consequence: missense variant.
Genome position (GRCh38, 1-based): chr17:7,246,318, C>T on the plus strand (G>A on the coding strand, the complement: CTDNEP1 is on the minus strand). VCF-style: chr17-7246318-C-T. GRCh37 (hg19) VCF-style: chr17-7149637-C-T.
Other names: c.413G>A, p.Gly138Asp (NM_015343.5); short protein forms G138D.
Identifiers: ClinVar variation 4530127 (VCV004530127.1).

ClinVar aggregate classification (somatic clinical impact): Tier II - Potential (1 of 4 stars; one submission).

Conditions:
Medulloblastoma non-WNT/non-SHH group 3. Identifiers: MedGen C4330665, MONDO:0956966.

Submission:

Institute for Genomic Medicine (IGM) Clinical Laboratory, Nationwide Children's Hospital
Classification: Tier II - Potential for Medulloblastoma non-WNT/non-SHH group 3. Assertion type: diagnostic. Clinical significance: supports diagnosis. Last evaluated: 2025-10-28. Review status: criteria provided, single submitter. Criteria: AMP/ASCO/CAP Guidelines, 2017. Collection method: clinical testing. Allele origin: somatic. Affected: yes.
Comment: Variant has Tier II (potential) clinical significance as a diagnostic inclusion criterion in medulloblastoma non-WNT/non-SHH group 3, based on the following evidence: 1) Appears in one or more well-established professional guidelines (e.g., World Health Organization [WHO]; National Comprehensive Cancer Network [NCCN]) as providing diagnostic, prognostic, or therapeutic information. 2) Diagnostic significance based on multiple small studies (Evidence Level C; PMIDs: 28726821, 22832583, 22820256).

Literature cited by the submitters: PubMed 28726821; PubMed 22832583; PubMed 22820256.